The following is an entry in ClinVar:

NM_004446.3(EPRS1):c.1840A>G (p.Thr614Ala)

Gene: EPRS1 (glutamyl-prolyl-tRNA synthetase 1; minus strand). Cytogenetic location: 1q41.
Variant type: single nucleotide variant.
Coding change: c.1840A>G on transcript NM_004446.3 (MANE Select); coding-DNA position 1840, A replaced by G.
Protein change: p.Thr614Ala; replaces threonine 614 with alanine.
Molecular consequence: missense variant.
Genome position (GRCh38, 1-based): chr1:220,006,216, T>C on the plus strand (A>G on the coding strand, the complement: EPRS1 is on the minus strand). VCF-style: chr1-220006216-T-C. GRCh37 (hg19) VCF-style: chr1-220179558-T-C.
Other names: short protein forms T614A.
Identifiers: ClinVar variation 2188923 (VCV002188923.4), dbSNP rs961016872, ClinGen allele CA37506738.

ClinVar aggregate classification (germline): Uncertain significance (1 of 4 stars; one submission).

Allele frequency attached by ClinVar (database versions not stated): gnomAD exomes below 0.00001; gnomAD 0.00001; TOPMed 0.00002.
gnomAD v4.1: 5 of 1,606,106 alleles (0.00031%); highest among the groups gnomAD compares: African/African-American, 0.0053%; no homozygotes.

Submission:

Labcorp Genetics (formerly Invitae), Labcorp
Classification: Uncertain significance. Last evaluated: 2023-05-22. Review status: criteria provided, single submitter. Criteria: Invitae Variant Classification Sherloc (09022015). Collection method: clinical testing. Allele origin: germline.
Comment: This sequence change replaces threonine, which is neutral and polar, with alanine, which is neutral and non-polar, at codon 614 of the EPRS protein (p.Thr614Ala). In summary, the available evidence is currently insufficient to determine the role of this variant in disease. Therefore, it has been classified as a Variant of Uncertain Significance. Algorithms developed to predict the effect of missense changes on protein structure and function output the following: SIFT: "Not Available"; PolyPhen-2: "Benign"; Align-GVGD: "Not Available". The alanine amino acid residue is found in multiple mammalian species, which suggests that this missense change does not adversely affect protein function. ClinVar contains an entry for this variant (Variation ID: 2188923). This variant has not been reported in the literature in individuals affected with EPRS-related conditions. This variant is not present in population databases (gnomAD no frequency).